The following is an entry in ClinVar:

ClinVar aggregate classification (germline): Pathogenic (1 of 4 stars; one submission).

Conditions:
Muscular dystrophy-dystroglycanopathy (congenital with brain and eye anomalies), type a, 11 (MDDGA11). Also called: Congenital muscular dystrophy-dystroglycanopathy with brain and eye anomalies, type A11; Muscular dystrophy-dystroglycanopathy (congenital with brain and eye anomalies, type A, 11; WALKER-WARBURG SYNDROME OR MUSCLE-EYE-BRAIN DISEASE, B3GALNT2-RELATED. Identifiers: Orphanet 588, Orphanet 899, MedGen C3554638, MONDO:0014071, OMIM 615181.

Submission:

Labcorp Genetics (formerly Invitae), Labcorp
Classification: Pathogenic for Muscular dystrophy-dystroglycanopathy (congenital with brain and eye anomalies), type a, 11. Last evaluated: 2025-01-25. Review status: criteria provided, single submitter. Criteria: Invitae Variant Classification Sherloc (09022015). Collection method: clinical testing. Allele origin: germline.
Comment: This sequence change creates a premature translational stop signal (p.Trp381*) in the B3GALNT2 gene. It is expected to result in an absent or disrupted protein product. Loss-of-function variants in B3GALNT2 are known to be pathogenic (PMID: 23453667). This variant is not present in population databases (gnomAD no frequency). This variant has not been reported in the literature in individuals affected with B3GALNT2-related conditions. For these reasons, this variant has been classified as Pathogenic.

Literature cited by the submitters: PubMed 23453667.

NM_152490.5(B3GALNT2):c.1143G>A (p.Trp381Ter)

Gene: B3GALNT2 (beta-1,3-N-acetylgalactosaminyltransferase 2; minus strand). Cytogenetic location: 1q42.3.
Variant type: single nucleotide variant.
Coding change: c.1143G>A on transcript NM_152490.5 (MANE Select); coding-DNA position 1143, G replaced by A.
Protein change: p.Trp381Ter; replaces tryptophan 381 with a stop codon.
Molecular consequence: nonsense.
Genome position (GRCh38, 1-based): chr1:235,455,567, C>T on the plus strand (G>A on the coding strand, the complement: B3GALNT2 is on the minus strand). VCF-style: chr1-235455567-C-T. GRCh37 (hg19) VCF-style: chr1-235618879-C-T.
Other names: short protein forms W381*.
Identifiers: ClinVar variation 3622136 (VCV003622136.2).